The following is an entry in ClinVar:

NM_000057.4(BLM):c.968A>G (p.Lys323Arg)

Gene: BLM (BLM RecQ like helicase; plus strand). Cytogenetic location: 15q26.1.
Variant type: single nucleotide variant.
Coding change: c.968A>G on transcript NM_000057.4 (MANE Select); coding-DNA position 968, A replaced by G.
Protein change: p.Lys323Arg; replaces lysine 323 with arginine.
Molecular consequence: missense variant. On other transcripts: 5 prime UTR variant (1).
Genome position (GRCh38, 1-based): chr15:90,754,819, A>G. VCF-style: chr15-90754819-A-G. GRCh37 (hg19) VCF-style: chr15-91298049-A-G.
Other names: p.K323R:AAG>AGG; c.968A>G, p.Lys323Arg (NM_001287246.2, NM_001287247.2); c.-324A>G (NM_001287248.2); short protein forms K323R.
Identifiers: ClinVar variation 127518 (VCV000127518.46), dbSNP rs146504061, ClinGen allele CA157436.
Genomic context (GRCh38, chr15:90,754,819, plus strand): 5'-TTATTGAGTCTAGCCTATAGTATGATTGGCTTAACATTTTTTTTATTTGCAGTACGTTAA[A>G]GGACCTTGACACCTCTGACAGAAAAGAGGATGTTCTTAGCACATCAAAAGATCTTTTGTC-3'
Protein context (NP_000048.1, residues 313-333): SSSSKCLSTL[Lys323Arg]DLDTSDRKED

ClinVar aggregate classification (germline): Conflicting classifications of pathogenicity. Review status: criteria provided, conflicting classifications (1 of 4 stars). 19 submissions from 19 submitters: Uncertain significance (13); Likely benign (3). 3 of the submissions do not count toward it. Last evaluated 2026-08-26.

Conditions:
BLM-related disorder. Also called: BLM-related condition.
Hereditary cancer. Identifiers: MedGen C1333600.
Hereditary cancer-predisposing syndrome. Also called: Tumor predisposition; Hereditary neoplastic syndrome; Neoplastic Syndromes, Hereditary; Hereditary Cancer Syndrome. Identifiers: Orphanet 140162, MedGen C0027672, MeSH D009386, MONDO:0015356.
Bloom syndrome (BLM). Also called: Bloom-Torre-Machacek syndrome. Identifiers: Orphanet 125, MedGen C0005859, MONDO:0008876, OMIM 210900.

Allele frequency attached by ClinVar (database versions not stated): ExAC 0.00030; gnomAD exomes 0.00037 and 0.00093; TOPMed 0.00043; ESP Exome Variant Server 0.00046; gnomAD 0.00052 and 0.00056.
gnomAD v4.1: 1,441 of 1,613,702 alleles (0.089%); highest among the groups gnomAD compares: Non-Finnish European, 0.12%; no homozygotes.

Submissions 1 to 10 of 19:

PreventionGenetics, part of Exact Sciences
Classification: Uncertain significance for BLM-related condition. Last evaluated: 2026-08-26. Review status: criteria provided, single submitter. Criteria: ACMG Guidelines, 2015. Collection method: clinical testing. Allele origin: germline.
Comment: The BLM c.968A>G variant is predicted to result in the amino acid substitution p.Lys323Arg. This variant has been reported in an individual with breast cancer (Thompson et al. 2012. PubMed ID: 23028338, Table S5). This variant is reported in 0.075% of alleles in individuals of European (Non-Finnish) descent in gnomAD and is interpreted as uncertain in ClinVar (Variation ID: 127518). At this time, the clinical significance of this variant is uncertain due to the absence of conclusive functional and genetic evidence.

Labcorp Genetics (formerly Invitae), Labcorp
Classification: Uncertain significance for Bloom syndrome. Last evaluated: 2026-02-03. Review status: criteria provided, single submitter. Criteria: Invitae Variant Classification Sherloc (09022015). Collection method: clinical testing. Allele origin: germline.
Comment: This sequence change replaces lysine, which is basic and polar, with arginine, which is basic and polar, at codon 323 of the BLM protein (p.Lys323Arg). This variant is present in population databases (rs146504061, gnomAD 0.07%). This missense change has been observed in individual(s) with breast cancer (PMID: 23028338). ClinVar contains an entry for this variant (Variation ID: 127518). Invitae Evidence Modeling of protein sequence and biophysical properties (such as structural, functional, and spatial information, amino acid conservation, physicochemical variation, residue mobility, and thermodynamic stability) indicates that this missense variant is not expected to disrupt BLM protein function with a negative predictive value of 80%. In summary, the available evidence is currently insufficient to determine the role of this variant in disease. Therefore, it has been classified as a Variant of Uncertain Significance.

CeGaT Center for Human Genetics Tuebingen
Classification: Uncertain significance. Last evaluated: 2026-02-01. Review status: criteria provided, single submitter. Criteria: CeGaT Center For Human Genetics Tuebingen Variant Classification Criteria Version 2. Collection method: clinical testing. Allele origin: germline. Affected: yes. Observed: 1 variant allele.
Comment: BLM: PM2, BP4

Dasa
Classification: Likely benign. Last evaluated: 2025-12-03. Review status: criteria provided, single submitter. Criteria: DASA Assertion Criteria. Collection method: clinical testing. Allele origin: germline.
Comment: NM_000057.4(BLM):c.968A>G (p.Lys323Arg) is a missense variant that results in the substitution of lysine with arginine. Multiple computational predictions suggest no deleterious effect on the gene or gene product. Based on the available data, this variant is classified as likely benign.

Genetic Services Laboratory, University of Chicago
Classification: Uncertain significance. Last evaluated: 2025-10-03. Review status: criteria provided, single submitter. Criteria: ACMG Guidelines, 2015. Collection method: clinical testing. Allele origin: germline.
Comment: DNA sequence analysis of the BLM gene demonstrated a sequence change, c.968A>G, in exon 5 that results in an amino acid change, p.Lys323Arg. This sequence change has been previously described in individuals with various cancers, including melanoma, mesothelioma, and breast cancer (PMIDs: 33318203, 35264596, 23028338); however, the contribution of this sequence change to the development of malignancy has not been definitively determined. This sequence change has been described in the gnomAD database with a frequency of 0.074% in the Non-Finnish European subpopulation (dbSNP rs146504061). The p.Lys323Arg change affects a poorly conserved amino acid residue located in a domain of the BLM protein that is not known to be functional. In-silico pathogenicity prediction tools (SIFT, PolyPhen2, Align GVGD, REVEL) provide contradictory results for the p.Lys323Arg substitution. Due to insufficient evidences and the lack of functional studies, the clinical significance of the p.Lys323Arg change remains unknown at this time.

Quest Diagnostics Nichols Institute San Juan Capistrano
Classification: Uncertain significance. Last evaluated: 2025-07-15. Review status: criteria provided, single submitter. Criteria: Quest Diagnostics criteria. Collection method: clinical testing. Allele origin: unknown.
Comment: The BLM c.968A>G (p.Lys323Arg) variant has been reported in the published literature in individuals with prostate cancer (PMID: 35892882 (2022), 29659569 (2018)), breast cancer (PMID: 35264596 (2022), 33606809 (2021), 23028338 (2012)), colon polyps (PMID: 33436027 (2021)), colorectal cancer (PMID: 30256826 (2018)), mesothelioma and/or melanoma (PMID: 33318203 (2020)), neuroblastoma (PMID: 26580448 (2015)), Li-Fraumeni syndrome (PMID: 22829774 (2012)), and Wilms tumor (PMID: 38110397 (2023)). In a case-control study, this variant has been observed in breast cancer cases and reportedly healthy individuals (PMID: 34117267 (2021)). This variant was also identified in an individual with high-grade serous ovarian cancer (HGSC) that carried two other pathogenic variants in the BRCA1 and RAD51C genes (PMID: 36232793 (2022)). The frequency of this variant in the general population (Genome Aggregation Database) is higher than would generally be expected for pathogenic variants in this gene. Analysis of this variant using bioinformatics tools for the prediction of the effect of amino acid changes on protein structure and function yielded conflicting predictions that this variant is benign or damaging. Based on the available information, we are unable to determine the clinical significance of this variant.

St. Jude Molecular Pathology, St. Jude Children's Research Hospital
Classification: Uncertain significance for Bloom syndrome. Last evaluated: 2024-09-06. Review status: criteria provided, single submitter. Criteria: St. Jude Assertion Criteria 2020. Collection method: clinical testing. Allele origin: germline.
Comment: The BLM c.968A>G (p.Lys323Arg) missense change has a maximum subpopulation frequency of 0.07% in gnomAD v2.1.1. The in silico tool REVEL predicts a benign effect on protein function, but to our knowledge this prediction has not been confirmed by functional studies. To our knowledge, this variant has not been reported in individuals with Bloom syndrome. In summary, the evidence currently available is insufficient to determine the clinical significance of this variant. It has therefore been classified as of uncertain significance.

Blueprint Genetics
Classification: Uncertain significance. Last evaluated: 2024-07-23. Review status: criteria provided, single submitter. Criteria: ACMG Guidelines, 2015. Collection method: clinical testing. Allele origin: germline.

Mendelics
Classification: Likely benign for Hereditary cancer. Last evaluated: 2024-01-23. Review status: criteria provided, single submitter. Criteria: ACMG Guidelines, 2015. Collection method: clinical testing. Allele origin: unknown.

GeneDx
Classification: Uncertain significance. Last evaluated: 2023-10-03. Review status: criteria provided, single submitter. Criteria: GeneDx Variant Classification Process June 2021. Collection method: clinical testing. Allele origin: germline. Affected: yes.
Comment: In silico analysis supports that this missense variant does not alter protein structure/function; Observed in an individual with high grade serous ovarian carcinoma with a family history suggestive of Lynch syndrome, who also harbored pathogenic variants in BRCA1 and RAD51C (Infante et al., 2022); Observed in individuals with personal or family history including breast cancer, renal cell carcinoma, neuroblastoma, mesothelioma, and Lynch syndrome-related cancers (Dalgliesh et al., 2010; Thompson et al., 2012; Zhang et al., 2015; Martin-Morales et al., 2018; Bononi et al., 2020; Guindalini et al., 2022); This variant is associated with the following publications: (PMID: 24728327, 23028338, 22829774, 28873162, 28944238, 20054297, 30256826, 26580448, 30171174, 33318203, 35264596, 33436027, 36232793, 35892882, 34117267, 33606809)